The following is an entry in ClinVar:

ClinVar aggregate classification (germline): Uncertain significance (1 of 4 stars; one submission).

Conditions:
Singleton-Merten syndrome 1 (SGMRT1). Also called: Widened medullary cavities of bone, aortic calcification, abnormal dentition, and muscular weakness; Syndrome of widened medullary cavities of the metacarpals and phalanges, aortic calcification and abnormal dentition. Identifiers: Orphanet 85191, MedGen C4225427, MONDO:0024535, OMIM 182250.
Aicardi-Goutieres syndrome 7 (AGS7). Identifiers: Orphanet 51, MedGen C3888244, MONDO:0014367, OMIM 615846.

Submission:

Labcorp Genetics (formerly Invitae), Labcorp
Classification: Uncertain significance for Aicardi-Goutieres syndrome 7; Singleton-Merten syndrome 1. Last evaluated: 2024-06-04. Review status: criteria provided, single submitter. Criteria: Invitae Variant Classification Sherloc (09022015). Collection method: clinical testing. Allele origin: germline.
Comment: This sequence change replaces threonine, which is neutral and polar, with proline, which is neutral and non-polar, at codon 286 of the IFIH1 protein (p.Thr286Pro). This variant is not present in population databases (gnomAD no frequency). This variant has not been reported in the literature in individuals affected with IFIH1-related conditions. Advanced modeling of protein sequence and biophysical properties (such as structural, functional, and spatial information, amino acid conservation, physicochemical variation, residue mobility, and thermodynamic stability) has been performed at Invitae for this missense variant, however the output from this modeling did not meet the statistical confidence thresholds required to predict the impact of this variant on IFIH1 protein function. In summary, the available evidence is currently insufficient to determine the role of this variant in disease. Therefore, it has been classified as a Variant of Uncertain Significance.

NM_022168.4(IFIH1):c.856A>C (p.Thr286Pro)

Gene: IFIH1 (interferon induced with helicase C domain 1; minus strand). Cytogenetic location: 2q24.2.
Variant type: single nucleotide variant.
Coding change: c.856A>C on transcript NM_022168.4 (MANE Select); coding-DNA position 856, A replaced by C.
Protein change: p.Thr286Pro; replaces threonine 286 with proline.
Molecular consequence: missense variant.
Genome position (GRCh38, 1-based): chr2:162,293,582, T>G on the plus strand (A>C on the coding strand, the complement: IFIH1 is on the minus strand). VCF-style: chr2-162293582-T-G. GRCh37 (hg19) VCF-style: chr2-163150092-T-G.
Other names: short protein forms T286P.
Identifiers: ClinVar variation 3753640 (VCV003753640.2).